The following is an entry in ClinVar:

NM_000020.3(ACVRL1):c.1190A>T (p.Asp397Val)

Gene: ACVRL1 (activin A receptor like type 1; plus strand). Cytogenetic location: 12q13.13.
Variant type: single nucleotide variant.
Coding change: c.1190A>T on transcript NM_000020.3 (MANE Select); coding-DNA position 1190, A replaced by T.
Protein change: p.Asp397Val; replaces aspartic acid 397 with valine.
Molecular consequence: missense variant.
Genome position (GRCh38, 1-based): chr12:51,916,177, A>T. VCF-style: chr12-51916177-A-T. GRCh37 (hg19) VCF-style: chr12-52309961-A-T.
Other names: c.1190A>T, p.Asp397Val (NM_001077401.2); short protein forms D397V.
Identifiers: ClinVar variation 658834 (VCV000658834.8), dbSNP rs1592225044, ClinGen allele CA384902866.

ClinVar aggregate classification (germline): Likely pathogenic (1 of 4 stars; one submission).

Conditions:
Telangiectasia, hereditary hemorrhagic, type 2 (HHT2). Also called: ACVRL1-Related Hereditary Hemorrhagic Telangiectasia; Telangiectasia, hereditary hemorrhagic, type II. Identifiers: Orphanet 774, MedGen C1838163, MONDO:0010880, OMIM 600376. Disease mechanism: loss of function.

Submission:

Labcorp Genetics (formerly Invitae), Labcorp
Classification: Likely pathogenic for Telangiectasia, hereditary hemorrhagic, type 2. Last evaluated: 2022-11-29. Review status: criteria provided, single submitter. Criteria: Invitae Variant Classification Sherloc (09022015). Collection method: clinical testing. Allele origin: germline.
Comment: In summary, the currently available evidence indicates that the variant is pathogenic, but additional data are needed to prove that conclusively. Therefore, this variant has been classified as Likely Pathogenic. This variant disrupts the p.Asp397 amino acid residue in ACVRL1. Other variant(s) that disrupt this residue have been observed in individuals with ACVRL1-related conditions (PMID: 15024723, 15517393), which suggests that this may be a clinically significant amino acid residue. Advanced modeling of protein sequence and biophysical properties (such as structural, functional, and spatial information, amino acid conservation, physicochemical variation, residue mobility, and thermodynamic stability) performed at Invitae indicates that this missense variant is expected to disrupt ACVRL1 protein function. ClinVar contains an entry for this variant (Variation ID: 658834). This missense change has been observed in individual(s) with clinical features of hereditary hemorrhagic telangiectasia (Invitae). This variant is not present in population databases (gnomAD no frequency). This sequence change replaces aspartic acid, which is acidic and polar, with valine, which is neutral and non-polar, at codon 397 of the ACVRL1 protein (p.Asp397Val).

Literature cited by the submitters: PubMed 15024723; PubMed 15517393.